The following is an entry in ClinVar:

NM_182961.4(SYNE1):c.4765_4768del (p.Tyr1589fs)

Gene: SYNE1 (spectrin repeat containing nuclear envelope protein 1; minus strand). Cytogenetic location: 6q25.2.
Variant type: Deletion.
Coding change: c.4765_4768del on transcript NM_182961.4 (MANE Select); coding-DNA positions 4765 to 4768, 4 bases deleted (TACA; older notation c.4765_4768delTACA).
Protein change: p.Tyr1589fs; shifts the reading frame from tyrosine 1589.
Molecular consequence: frameshift variant.
Genome position (GRCh38, 1-based): chr6:152,430,132-152,430,135, TGTA deleted on the plus strand (TACA on the coding strand, the reverse complement: SYNE1 is on the minus strand); deleting any 4 consecutive bases within chr6:152,430,132-152,430,138 gives the same sequence; the c. name uses the placement nearest the transcript's 3' end. VCF-style (leftmost placement, unchanged base first): chr6-152430131-TTGTA-T. GRCh37 (hg19) VCF-style: chr6-152751266-TTGTA-T.
Other names: c.4786_4789del, p.Tyr1596fs (NM_033071.5); short protein forms Y1589fs, Y1596fs.
Identifiers: ClinVar variation 4791092 (VCV004791092.1).

ClinVar aggregate classification (germline): Pathogenic (1 of 4 stars; one submission).

Conditions:
Autosomal recessive ataxia, Beauce type. Also called: SYNE1-Related Autosomal Recessive Cerebellar Ataxia; Spinocerebellar ataxia, autosomal recessive 8; ATAXIA, RECESSIVE, OF BEAUCE; SYNE1 Deficiency. Identifiers: Orphanet 88644, MedGen C1853116, MONDO:0012549, OMIM 610743.
Emery-Dreifuss muscular dystrophy 4, autosomal dominant (EDMD4). Also called: EMERY-DREIFUSS MUSCULAR DYSTROPHY 4 WITH VARIABLE FEATURES. Identifiers: Orphanet 261, MedGen C2751807, MONDO:0013071, OMIM 612998.

Submission:

Labcorp Genetics (formerly Invitae), Labcorp
Classification: Pathogenic for Emery-Dreifuss muscular dystrophy 4, autosomal dominant; Autosomal recessive ataxia, Beauce type. Last evaluated: 2025-08-12. Review status: criteria provided, single submitter. Criteria: Invitae Variant Classification Sherloc (09022015). Collection method: clinical testing. Allele origin: germline.
Comment: This sequence change creates a premature translational stop signal (p.Tyr1596Lysfs*16) in the SYNE1 gene. It is expected to result in an absent or disrupted protein product. Loss-of-function variants in SYNE1 are known to be pathogenic (PMID: 19542096, 24319099, 27086870). This variant is present in population databases (rs746685203, gnomAD 0.003%). This variant has not been reported in the literature in individuals affected with SYNE1-related conditions. For these reasons, this variant has been classified as Pathogenic.

Literature cited by the submitters: PubMed 19542096; PubMed 24319099; PubMed 27086870.